The following is an entry in ClinVar:

ClinVar aggregate classification (germline): Uncertain significance (1 of 4 stars; one submission).

Conditions:
Inborn genetic diseases. Identifiers: MedGen C0950123, MeSH D030342.

Submission:

Ambry Genetics
Classification: Uncertain significance for Inborn genetic diseases. Last evaluated: 2025-04-09. Review status: criteria provided, single submitter. Criteria: Ambry Variant Classification Scheme 2023. Collection method: clinical testing. Allele origin: germline.
Comment: The p.V391M variant (also known as c.1171G>A), located in coding exon 5 of the SH2B3 gene, results from a G to A substitution at nucleotide position 1171. The valine at codon 391 is replaced by methionine, an amino acid with highly similar properties. This amino acid position is conserved. In addition, this alteration is predicted to be deleterious by in silico analysis. Based on the available evidence, the clinical significance of this variant remains unclear.

NM_005475.3(SH2B3):c.1171G>A (p.Val391Met)

Gene: SH2B3 (SH2B adaptor protein 3; plus strand). Cytogenetic location: 12q24.12.
Variant type: single nucleotide variant.
Coding change: c.1171G>A on transcript NM_005475.3 (MANE Select); coding-DNA position 1171, G replaced by A.
Protein change: p.Val391Met; replaces valine 391 with methionine.
Molecular consequence: missense variant.
Genome position (GRCh38, 1-based): chr12:111,447,479, G>A. VCF-style: chr12-111447479-G-A. GRCh37 (hg19) VCF-style: chr12-111885283-G-A.
Other names: c.565G>A, p.Val189Met (NM_001291424.1); short protein forms V189M, V391M.
Identifiers: ClinVar variation 3953434 (VCV003953434.1).